The following is an entry in ClinVar:

ClinVar aggregate classification (germline): Likely pathogenic (1 of 4 stars; one submission).

Conditions:
Charlevoix-Saguenay spastic ataxia (SACS). Also called: AUTOSOMAL RECESSIVE SPASTIC ATAXIA OF CHARLEVOIX-SAGUENAY; SPASTIC ATAXIA 6, AUTOSOMAL RECESSIVE; Spastic ataxia of Charlevoix-Saguenay. Identifiers: Orphanet 98, MedGen C1849140, MONDO:0010041, OMIM 270550.

Submission:

Center for Human Genetics and Genomic Medicine, Uniklinik Rwth Aachen
Classification: Likely pathogenic for Charlevoix-Saguenay spastic ataxia. Last evaluated: 2021-07-14. Review status: criteria provided, single submitter. Criteria: ACMG Guidelines, 2015. Collection method: clinical testing. Allele origin: germline. Inheritance: Autosomal recessive inheritance. Affected: yes.
Comment: The variant is absent from population databases and it has not been reported in the literature. Segregation analyses have not yet been performed. Frameshift mutations in the SACS gene have been described as being pathogenic. We have therefore classified it as a "likely pathogenic variant ".

NM_014363.6(SACS):c.5972dup (p.Arg1992fs)

Gene: SACS (sacsin molecular chaperone; minus strand). Cytogenetic location: 13q12.12.
Variant type: Duplication.
Coding change: c.5972dup on transcript NM_014363.6 (MANE Select); coding-DNA position 5972, one base duplicated (T; older notation c.5972dupT).
Protein change: p.Arg1992fs; shifts the reading frame from arginine 1992.
Molecular consequence: frameshift variant.
Genome position (GRCh38, 1-based): chr13:23,337,904, A duplicated on the plus strand (T on the coding strand, the reverse complement: SACS is on the minus strand). VCF-style (leftmost placement, unchanged base first): chr13-23337903-T-TA. GRCh37 (hg19) VCF-style: chr13-23912042-T-TA.
Other names: c.5531dup, p.Arg1845fs (NM_001278055.2); short protein forms R1845fs, R1992fs.
Identifiers: ClinVar variation 1179010 (VCV001179010.2), dbSNP rs2137613912, ClinGen allele CA2499221979.